The following is an entry in ClinVar:

NM_006343.3(MERTK):c.1127C>T (p.Ala376Val)

Genes: MERTK (MER proto-oncogene, tyrosine kinase; plus strand), LOC112806037 (Sharpr-MPRA regulatory region 3720; plus strand). Cytogenetic location: 2q13.
Variant type: single nucleotide variant.
Coding change: c.1127C>T on transcript NM_006343.3 (MANE Select); coding-DNA position 1127, C replaced by T.
Protein change: p.Ala376Val; replaces alanine 376 with valine.
Molecular consequence: missense variant.
Genome position (GRCh38, 1-based): chr2:111,975,455, C>T. VCF-style: chr2-111975455-C-T. GRCh37 (hg19) VCF-style: chr2-112733032-C-T.
Other names: short protein forms A376V.
Identifiers: ClinVar variation 1941049 (VCV001941049.5), dbSNP rs369339515, ClinGen allele CA53588060.

ClinVar aggregate classification (germline): Uncertain significance (1 of 4 stars; one submission).

Allele frequency attached by ClinVar (database versions not stated): gnomAD 0.00001; TOPMed 0.00004; ESP Exome Variant Server 0.00008.

Submission:

Labcorp Genetics (formerly Invitae), Labcorp
Classification: Uncertain significance. Last evaluated: 2022-05-21. Review status: criteria provided, single submitter. Criteria: Invitae Variant Classification Sherloc (09022015). Collection method: clinical testing. Allele origin: germline.
Comment: This sequence change replaces alanine, which is neutral and non-polar, with valine, which is neutral and non-polar, at codon 376 of the MERTK protein (p.Ala376Val). This variant is present in population databases (rs369339515, gnomAD 0.007%). This variant has not been reported in the literature in individuals affected with MERTK-related conditions. Algorithms developed to predict the effect of missense changes on protein structure and function (SIFT, PolyPhen-2, Align-GVGD) all suggest that this variant is likely to be disruptive. In summary, the available evidence is currently insufficient to determine the role of this variant in disease. Therefore, it has been classified as a Variant of Uncertain Significance.